The following is an entry in ClinVar:

NM_017654.4(SAMD9):c.1875_1876del (p.Gln626fs)

Gene: SAMD9 (sterile alpha motif domain containing 9; minus strand). Cytogenetic location: 7q21.2.
Variant type: Deletion.
Coding change: c.1875_1876del on transcript NM_017654.4 (MANE Select); coding-DNA positions 1875 to 1876, 2 bases deleted (TC; older notation c.1875_1876delTC).
Protein change: p.Gln626fs; shifts the reading frame from glutamine 626.
Molecular consequence: frameshift variant.
Genome position (GRCh38, 1-based): chr7:93,104,222-93,104,223, GA deleted on the plus strand (TC on the coding strand, the reverse complement: SAMD9 is on the minus strand); deleting any 2 consecutive bases within chr7:93,104,222-93,104,224 gives the same sequence; the c. name uses the placement nearest the transcript's 3' end. VCF-style (leftmost placement, unchanged base first): chr7-93104221-TGA-T. GRCh37 (hg19) VCF-style: chr7-92733534-TGA-T.
Other names: c.1875_1876del, p.Gln626fs (NM_001193307.2); short protein forms Q626fs.
Identifiers: ClinVar variation 3721396 (VCV003721396.2).
Genomic context (GRCh38, chr7:93,104,221, plus strand): 5'-TCTTCCTTTTTCAGAAGGACAGTCGATAAACCAATAGATGGCAAAAGCCTTTTTGAAGAT[TGA>T]GTCACAGATTTTAGTTTAAGAATAGTGCCATTGATCTCTTCAAGGCTTAAAGCAGAAATA-3'

ClinVar aggregate classification (germline): Uncertain significance (1 of 4 stars; one submission).

Submission:

Labcorp Genetics (formerly Invitae), Labcorp
Classification: Uncertain significance. Last evaluated: 2024-09-23. Review status: criteria provided, single submitter. Criteria: Invitae Variant Classification Sherloc (09022015). Collection method: clinical testing. Allele origin: germline.
Comment: This sequence change creates a premature translational stop signal (p.Gln626Ilefs*31) in the SAMD9 gene. While this is not anticipated to result in nonsense mediated decay, it is expected to disrupt the last 964 amino acid(s) of the SAMD9 protein. This variant is not present in population databases (gnomAD no frequency). This variant has not been reported in the literature in individuals affected with SAMD9-related conditions. Experimental studies and prediction algorithms are not available or were not evaluated, and the functional significance of this variant is currently unknown. In summary, the available evidence is currently insufficient to determine the role of this variant in disease. Therefore, it has been classified as a Variant of Uncertain Significance.